The following is an entry in ClinVar:

NM_006904.7(PRKDC):c.4459G>A (p.Val1487Ile)

Gene: PRKDC (protein kinase, DNA-activated, catalytic subunit; minus strand). Cytogenetic location: 8q11.21.
Variant type: single nucleotide variant.
Coding change: c.4459G>A on transcript NM_006904.7 (MANE Select); coding-DNA position 4459, G replaced by A.
Protein change: p.Val1487Ile; replaces valine 1487 with isoleucine.
Molecular consequence: missense variant.
Genome position (GRCh38, 1-based): chr8:47,887,660, C>T on the plus strand (G>A on the coding strand, the complement: PRKDC is on the minus strand). VCF-style: chr8-47887660-C-T. GRCh37 (hg19) VCF-style: chr8-48800221-C-T.
Other names: c.4459G>A, p.Val1487Ile (NM_001081640.2); short protein forms V1487I.
Identifiers: ClinVar variation 2114248 (VCV002114248.4), dbSNP rs2089366823, ClinGen allele CA371144082.
Genomic context (GRCh38, chr8:47,887,660, plus strand): 5'-AACTGAGGTCTAGAGAAGGCAGACACTGTCTCTCATCTCCAGGGGCAATGCCTTTATAAA[C>T]CAGGGAAAGAAGTTCTGTGCCAACAGAATGATGCAAATCTGTGGACTAAAAGGAAGCCAA-3'
Protein context (NP_008835.5, residues 1477-1497): HSVGTELLSL[Val1487Ile]YKGIAPGDER

ClinVar aggregate classification (germline): Uncertain significance (1 of 4 stars; one submission).

Conditions:
Severe combined immunodeficiency due to DNA-PKcs deficiency. Also called: Immunodeficiency 26 with or without neurologic abnormalities; IMMUNODEFICIENCY 26 WITH NEUROLOGIC ABNORMALITIES. Identifiers: Orphanet 317425, MedGen C4014833, MONDO:0014423, OMIM 615966.

Allele frequency attached by ClinVar (database versions not stated): gnomAD exomes below 0.00001; TOPMed 0.00002.

Submission:

Labcorp Genetics (formerly Invitae), Labcorp
Classification: Uncertain significance for Severe combined immunodeficiency due to DNA-PKcs deficiency. Last evaluated: 2022-05-06. Review status: criteria provided, single submitter. Criteria: Invitae Variant Classification Sherloc (09022015). Collection method: clinical testing. Allele origin: germline.
Comment: This sequence change replaces valine, which is neutral and non-polar, with isoleucine, which is neutral and non-polar, at codon 1487 of the PRKDC protein (p.Val1487Ile). This variant is not present in population databases (gnomAD no frequency). This variant has not been reported in the literature in individuals affected with PRKDC-related conditions. Experimental studies and prediction algorithms are not available or were not evaluated, and the functional significance of this variant is currently unknown. In summary, the available evidence is currently insufficient to determine the role of this variant in disease. Therefore, it has been classified as a Variant of Uncertain Significance.